The following is an entry in ClinVar:

NM_005236.3(ERCC4):c.2317G>C (p.Gly773Arg)

Gene: ERCC4 (ERCC excision repair 4, endonuclease catalytic subunit; plus strand). Cytogenetic location: 16p13.12.
Variant type: single nucleotide variant.
Coding change: c.2317G>C on transcript NM_005236.3 (MANE Select); coding-DNA position 2317, G replaced by C.
Protein change: p.Gly773Arg; replaces glycine 773 with arginine.
Molecular consequence: missense variant.
Genome position (GRCh38, 1-based): chr16:13,947,913, G>C. VCF-style: chr16-13947913-G-C. GRCh37 (hg19) VCF-style: chr16-14041770-G-C.
Other names: short protein forms G773R.
Identifiers: ClinVar variation 2194813 (VCV002194813.4), dbSNP rs1204583520, ClinGen allele CA394822992.

ClinVar aggregate classification (germline): Uncertain significance (1 of 4 stars; one submission).

Conditions:
Xeroderma pigmentosum, group F (XPF). Also called: XERODERMA PIGMENTOSUM, COMPLEMENTATION GROUP F; XERODERMA PIGMENTOSUM VI; XP, GROUP F; ERCC4-Related Xeroderma Pigmentosum; XERODERMA PIGMENTOSUM, TYPE F; Xeroderma pigmentosum, type 6. Identifiers: MedGen C0268140, MONDO:0010215, OMIM 278760.
Cockayne syndrome. Identifiers: Orphanet 191, MedGen C0009207, MONDO:0016006.
Fanconi anemia complementation group Q. Identifiers: Orphanet 84, MedGen C3808988, MONDO:0014108, OMIM 615272.

Allele frequency attached by ClinVar (database versions not stated): gnomAD exomes 0.00001.
gnomAD v4.1: 8 of 1,614,034 alleles (0.0005%); highest among the groups gnomAD compares: Middle Eastern, 0.016%; no homozygotes.

Submission:

Labcorp Genetics (formerly Invitae), Labcorp
Classification: Uncertain significance for Fanconi anemia complementation group Q; Xeroderma pigmentosum, group F; Cockayne syndrome. Last evaluated: 2022-01-10. Review status: criteria provided, single submitter. Criteria: Invitae Variant Classification Sherloc (09022015). Collection method: clinical testing. Allele origin: germline.
Comment: In summary, the available evidence is currently insufficient to determine the role of this variant in disease. Therefore, it has been classified as a Variant of Uncertain Significance. Algorithms developed to predict the effect of missense changes on protein structure and function (SIFT, PolyPhen-2, Align-GVGD) all suggest that this variant is likely to be tolerated. This variant has not been reported in the literature in individuals affected with ERCC4-related conditions. This variant is present in population databases (no rsID available, gnomAD 0.003%). This sequence change replaces glycine, which is neutral and non-polar, with arginine, which is basic and polar, at codon 773 of the ERCC4 protein (p.Gly773Arg).